The following is an entry in ClinVar:

NM_001754.5(RUNX1):c.206G>T (p.Gly69Val)

Gene: RUNX1 (RUNX family transcription factor 1; minus strand). Cytogenetic location: 21q22.12.
Variant type: single nucleotide variant.
Coding change: c.206G>T on transcript NM_001754.5 (MANE Select); coding-DNA position 206, G replaced by T.
Protein change: p.Gly69Val; replaces glycine 69 with valine.
Molecular consequence: missense variant.
Genome position (GRCh38, 1-based): chr21:34,886,988, C>A on the plus strand (G>T on the coding strand, the complement: RUNX1 is on the minus strand). VCF-style: chr21-34886988-C-A. GRCh37 (hg19) VCF-style: chr21-36259285-C-A.
Other names: NM_001754.5(RUNX1):c.206G>T; p.Gly69Val; c.125G>T, p.Gly42Val (NM_001001890.3, NM_001122607.2); short protein forms G42V, G69V.
Identifiers: ClinVar variation 2130981 (VCV002130981.8), dbSNP rs769235124, ClinGen allele CA10014568.

ClinVar aggregate classification (germline): Uncertain significance. Review status: reviewed by expert panel (3 of 4 stars). 3 submissions from 3 submitters: Uncertain significance (1). 2 of the submissions do not count toward it. Last evaluated 2025-05-02.

Conditions:
Hereditary thrombocytopenia and hematologic cancer predisposition syndrome. Identifiers: Orphanet 71290, MedGen CN281654, MONDO:0011071.
Inborn genetic diseases. Identifiers: MedGen C0950123, MeSH D030342.
Hereditary thrombocytopenia and hematological cancer predisposition syndrome associated with RUNX1. Also called: RUNX1 Familial Platelet Disorder with Associated Myeloid Malignancies; Familial Platelet Disorder with Propensity to Acute Myelogenous Leukemia; Familial thrombocytopenia with propensity to acute myelogenous leukemia; PLATELET DISORDER, ASPIRIN-LIKE. Identifiers: Orphanet 71290, MedGen C1832388, MeSH C563324, MONDO:0100083, OMIM 601399.

Allele frequency attached by ClinVar (database versions not stated): gnomAD exomes below 0.00001; ExAC 0.00001.
gnomAD v4.1: 1 of 1,606,692 alleles (0.000062%); highest among the groups gnomAD compares: Admixed American, 0.0017%; no homozygotes.

Submissions (3):

ClinGen Myeloid Malignancy Variant Curation Expert Panel
Classification: Uncertain significance for Hereditary thrombocytopenia and hematologic cancer predisposition syndrome. Last evaluated: 2025-05-02. Review status: reviewed by expert panel. Criteria: ClinGen MyeloMalig ACMG Specifications v2. Collection method: curation. Allele origin: germline. Inheritance: Autosomal dominant inheritance.
Comment: NM_001754.5(RUNX1):c.206G>T (p.Gly69Val) is a missense variant which does not meet any ACMG/AMP criteria. In summary, the clinical significance of this variant is uncertain. ACMG/AMP criteria applied, as specified by the Myeloid Malignancy Variant Curation Expert Panel for RUNX1: None.

Ambry Genetics
Classification: Uncertain significance for Inborn genetic diseases. Last evaluated: 2026-02-19. Review status: criteria provided, single submitter. Criteria: Ambry Variant Classification Scheme 2023. Collection method: clinical testing. Allele origin: germline. Not counted in ClinVar's aggregate classification.
Comment: The p.G69V variant (also known as c.206G>T), located in coding exon 3 of the RUNX1 gene, results from a G to T substitution at nucleotide position 206. The glycine at codon 69 is replaced by valine, an amino acid with dissimilar properties. This amino acid position is conserved. In addition, the in silico prediction for this alteration is inconclusive. Based on the available evidence, the clinical significance of this variant remains unclear.

Labcorp Genetics (formerly Invitae), Labcorp
Classification: Uncertain significance for Hereditary thrombocytopenia and hematological cancer predisposition syndrome associated with RUNX1. Last evaluated: 2022-04-27. Review status: criteria provided, single submitter. Criteria: Invitae Variant Classification Sherloc (09022015). Collection method: clinical testing. Allele origin: germline. Not counted in ClinVar's aggregate classification.
Comment: This sequence change replaces glycine, which is neutral and non-polar, with valine, which is neutral and non-polar, at codon 69 of the RUNX1 protein (p.Gly69Val). This variant is present in population databases (rs769235124, gnomAD 0.003%). In summary, the available evidence is currently insufficient to determine the role of this variant in disease. Therefore, it has been classified as a Variant of Uncertain Significance. Algorithms developed to predict the effect of missense changes on protein structure and function are either unavailable or do not agree on the potential impact of this missense change (SIFT: "Deleterious"; PolyPhen-2: "Possibly Damaging"; Align-GVGD: "Class C0"). This variant has not been reported in the literature in individuals affected with RUNX1-related conditions.